The following is an entry in ClinVar:

ClinVar aggregate classification (germline): Uncertain significance. Review status: criteria provided, multiple submitters, no conflicts (2 of 4 stars). 2 submissions from 2 submitters: Uncertain significance (2). Last evaluated 2024-06-10.

Conditions:
Fanconi anemia complementation group J. Also called: BRIP1-Related Fanconi Anemia. Identifiers: Orphanet 84, MedGen C1836860, MONDO:0012187, OMIM 609054.
Familial cancer of breast. Also called: BREAST CANCER, FAMILIAL; hereditary breast carcinoma; Hereditary breast cancer. Identifiers: Orphanet 227535, MedGen C0346153, MONDO:0016419, OMIM 114480. Disease mechanism: loss of function.
Hereditary cancer-predisposing syndrome. Also called: Neoplastic Syndromes, Hereditary; Hereditary neoplastic syndrome; Tumor predisposition; Hereditary Cancer Syndrome. Identifiers: Orphanet 140162, MedGen C0027672, MeSH D009386, MONDO:0015356.

gnomAD v4.1: 1 of 1,612,526 alleles (0.000062%); highest among the groups gnomAD compares: Non-Finnish European, 0.000085%; no homozygotes.

Submissions (2):

Labcorp Genetics (formerly Invitae), Labcorp
Classification: Uncertain significance for Familial cancer of breast; Fanconi anemia complementation group J. Last evaluated: 2024-06-10. Review status: criteria provided, single submitter. Criteria: Invitae Variant Classification Sherloc (09022015). Collection method: clinical testing. Allele origin: germline.
Comment: This sequence change replaces alanine, which is neutral and non-polar, with glutamic acid, which is acidic and polar, at codon 144 of the BRIP1 protein (p.Ala144Glu). This variant is not present in population databases (gnomAD no frequency). This variant has not been reported in the literature in individuals affected with BRIP1-related conditions. ClinVar contains an entry for this variant (Variation ID: 530338). Advanced modeling of protein sequence and biophysical properties (such as structural, functional, and spatial information, amino acid conservation, physicochemical variation, residue mobility, and thermodynamic stability) performed at Invitae indicates that this missense variant is not expected to disrupt BRIP1 protein function with a negative predictive value of 80%. In summary, the available evidence is currently insufficient to determine the role of this variant in disease. Therefore, it has been classified as a Variant of Uncertain Significance.

Ambry Genetics
Classification: Uncertain significance for Hereditary cancer-predisposing syndrome. Last evaluated: 2022-01-28. Review status: criteria provided, single submitter. Criteria: Ambry Variant Classification Scheme 2023. Collection method: clinical testing. Allele origin: germline.
Comment: The p.A144E variant (also known as c.431C>A), located in coding exon 4 of the BRIP1 gene, results from a C to A substitution at nucleotide position 431. The alanine at codon 144 is replaced by glutamic acid, an amino acid with dissimilar properties. This amino acid position is conserved. In addition, this alteration is predicted to be tolerated by in silico analysis. Since supporting evidence is limited at this time, the clinical significance of this alteration remains unclear.

NM_032043.3(BRIP1):c.431C>A (p.Ala144Glu)

Gene: BRIP1 (BRCA1 interacting DNA helicase 1; minus strand). Cytogenetic location: 17q23.2.
Variant type: single nucleotide variant.
Coding change: c.431C>A on transcript NM_032043.3 (MANE Select); coding-DNA position 431, C replaced by A.
Protein change: p.Ala144Glu; replaces alanine 144 with glutamic acid.
Molecular consequence: missense variant.
Genome position (GRCh38, 1-based): chr17:61,849,205, G>T on the plus strand (C>A on the coding strand, the complement: BRIP1 is on the minus strand). VCF-style: chr17-61849205-G-T. GRCh37 (hg19) VCF-style: chr17-59926566-G-T.
Other names: short protein forms A144E.
Identifiers: ClinVar variation 530338 (VCV000530338.12), dbSNP rs1555616182, ClinGen allele CA400484512.